The following is an entry in ClinVar:

ClinVar aggregate classification (germline): Uncertain significance (1 of 4 stars; one submission).

Allele frequency attached by ClinVar (database versions not stated): ExAC 0.00001; gnomAD 0.00001; TOPMed 0.00001; ESP Exome Variant Server 0.00008.
gnomAD v4.1: 8 of 1,596,906 alleles (0.0005%); highest among the groups gnomAD compares: Non-Finnish European, 0.00068%; no homozygotes.

Submission:

Labcorp Genetics (formerly Invitae), Labcorp
Classification: Uncertain significance. Last evaluated: 2023-11-27. Review status: criteria provided, single submitter. Criteria: Invitae Variant Classification Sherloc (09022015). Collection method: clinical testing. Allele origin: germline.
Comment: This sequence change falls in intron 1 of the LAMA1 gene. It does not directly change the encoded amino acid sequence of the LAMA1 protein. It affects a nucleotide within the consensus splice site. This variant is present in population databases (rs375429860, gnomAD 0.004%). This variant has not been reported in the literature in individuals affected with LAMA1-related conditions. ClinVar contains an entry for this variant (Variation ID: 1938948). Variants that disrupt the consensus splice site are a relatively common cause of aberrant splicing (PMID: 17576681, 9536098). Algorithms developed to predict the effect of sequence changes on RNA splicing suggest that this variant is not likely to affect RNA splicing. In summary, the available evidence is currently insufficient to determine the role of this variant in disease. Therefore, it has been classified as a Variant of Uncertain Significance.

Literature cited by the submitters: PubMed 17576681; PubMed 9536098.

NM_005559.4(LAMA1):c.61+6C>G

Gene: LAMA1 (laminin subunit alpha 1; minus strand). Cytogenetic location: 18p11.31.
Variant type: single nucleotide variant.
Coding change: c.61+6C>G on transcript NM_005559.4 (MANE Select); 6 bases into the intron after coding-DNA position 61, C replaced by G.
Molecular consequence: intron variant.
Genome position (GRCh38, 1-based): chr18:7,117,654, G>C on the plus strand (C>G on the coding strand, the complement: LAMA1 is on the minus strand). VCF-style: chr18-7117654-G-C. GRCh37 (hg19) VCF-style: chr18-7117653-G-C.
Identifiers: ClinVar variation 1938948 (VCV001938948.5), dbSNP rs375429860, ClinGen allele CA8883438.
Genomic context (GRCh38, chr18:7,117,654, plus strand): 5'-GTCCGCGGCCGCCCCCGCCCGCCCGCCTGCGGGGGACAGGGACCCTAGGACCCGGGCCGG[G>C]CTCACCTCTCTGCCGGCACTGCGCGGCGACACACAGCAGCAAGACCAGGAGCACGCCCCC-3'